The following is an entry in ClinVar:

ClinVar aggregate classification (germline): Uncertain significance (1 of 4 stars; one submission).

Conditions:
Leber congenital amaurosis 6 (LCA6). Identifiers: Orphanet 65, MedGen C1854260, MONDO:0013446, OMIM 613826.
Cone-rod dystrophy 13 (CORD13). Identifiers: Orphanet 1872, MedGen C2750720, MONDO:0011987, OMIM 608194.

Allele frequency attached by ClinVar (database versions not stated): ExAC 0.00001; gnomAD exomes 0.00001; TOPMed 0.00001.

Submission:

Labcorp Genetics (formerly Invitae), Labcorp
Classification: Uncertain significance for Leber congenital amaurosis 6; Cone-rod dystrophy 13. Last evaluated: 2024-10-08. Review status: criteria provided, single submitter. Criteria: Invitae Variant Classification Sherloc (09022015). Collection method: clinical testing. Allele origin: germline.
Comment: This sequence change replaces methionine, which is neutral and non-polar, with arginine, which is basic and polar, at codon 115 of the RPGRIP1 protein (p.Met115Arg). This variant is present in population databases (rs752159774, gnomAD 0.002%). This variant has not been reported in the literature in individuals affected with RPGRIP1-related conditions. ClinVar contains an entry for this variant (Variation ID: 1055355). Invitae Evidence Modeling of protein sequence and biophysical properties (such as structural, functional, and spatial information, amino acid conservation, physicochemical variation, residue mobility, and thermodynamic stability) indicates that this missense variant is not expected to disrupt RPGRIP1 protein function with a negative predictive value of 80%. In summary, the available evidence is currently insufficient to determine the role of this variant in disease. Therefore, it has been classified as a Variant of Uncertain Significance.

NM_020366.4(RPGRIP1):c.344T>G (p.Met115Arg)

Gene: RPGRIP1 (RPGR interacting protein 1; plus strand). Cytogenetic location: 14q11.2.
Variant type: single nucleotide variant.
Coding change: c.344T>G on transcript NM_020366.4 (MANE Select); coding-DNA position 344, T replaced by G.
Protein change: p.Met115Arg; replaces methionine 115 with arginine.
Molecular consequence: missense variant.
Genome position (GRCh38, 1-based): chr14:21,301,091, T>G. VCF-style: chr14-21301091-T-G. GRCh37 (hg19) VCF-style: chr14-21769250-T-G.
Other names: short protein forms M115R.
Identifiers: ClinVar variation 1055355 (VCV001055355.8), dbSNP rs752159774, ClinGen allele CA7088637.